The following is an entry in ClinVar:

NM_003070.5(SMARCA2):c.1571G>A (p.Arg524Lys)

Gene: SMARCA2 (SWI/SNF related BAF chromatin remodeling complex subunit ATPase 2; plus strand). Cytogenetic location: 9p24.3.
Variant type: single nucleotide variant.
Coding change: c.1571G>A on transcript NM_003070.5 (MANE Select); coding-DNA position 1571, G replaced by A.
Protein change: p.Arg524Lys; replaces arginine 524 with lysine.
Molecular consequence: missense variant.
Genome position (GRCh38, 1-based): chr9:2,060,865, G>A. VCF-style: chr9-2060865-G-A. GRCh37 (hg19) VCF-style: chr9-2060865-G-A.
Other names: c.1571G>A, p.Arg524Lys (NM_001289396.2, NM_001289397.2, NM_139045.4); short protein forms R524K.
Identifiers: ClinVar variation 2635647 (VCV002635647.4), dbSNP rs2537278179, ClinGen allele CA372782484.

ClinVar aggregate classification (germline): Uncertain significance. Review status: criteria provided, multiple submitters, no conflicts (2 of 4 stars). 2 submissions from 2 submitters: Uncertain significance (2). Last evaluated 2025-04-21.

Conditions:
SMARCA2-related disorder. Also called: SMARCA2-related condition.

Submissions (2):

Labcorp Genetics (formerly Invitae), Labcorp
Classification: Uncertain significance. Last evaluated: 2025-04-21. Review status: criteria provided, single submitter. Criteria: Invitae Variant Classification Sherloc (09022015). Collection method: clinical testing. Allele origin: germline.
Comment: This sequence change replaces arginine, which is basic and polar, with lysine, which is basic and polar, at codon 524 of the SMARCA2 protein (p.Arg524Lys). This variant is not present in population databases (gnomAD no frequency). This variant has not been reported in the literature in individuals affected with SMARCA2-related conditions. ClinVar contains an entry for this variant (Variation ID: 2635647). Invitae Evidence Modeling of protein sequence and biophysical properties (such as structural, functional, and spatial information, amino acid conservation, physicochemical variation, residue mobility, and thermodynamic stability) indicates that this missense variant is not expected to disrupt SMARCA2 protein function with a negative predictive value of 95%. In summary, the available evidence is currently insufficient to determine the role of this variant in disease. Therefore, it has been classified as a Variant of Uncertain Significance.

PreventionGenetics, part of Exact Sciences
Classification: Uncertain significance for SMARCA2-related condition. Last evaluated: 2023-02-21. Review status: criteria provided, single submitter. Criteria: ACMG Guidelines, 2015. Collection method: clinical testing. Allele origin: germline.
Comment: The SMARCA2 c.1571G>A variant is predicted to result in the amino acid substitution p.Arg524Lys. To our knowledge, this variant has not been reported in the literature or in a large population database, indicating this variant is rare. At this time, the clinical significance of this variant is uncertain due to the absence of conclusive functional and genetic evidence.